The following is an entry in ClinVar:

NM_003824.4(FADD):c.307G>A (p.Val103Ile)

Gene: FADD (Fas associated via death domain; plus strand). Cytogenetic location: 11q13.3.
Variant type: single nucleotide variant.
Coding change: c.307G>A on transcript NM_003824.4 (MANE Select); coding-DNA position 307, G replaced by A.
Protein change: p.Val103Ile; replaces valine 103 with isoleucine.
Molecular consequence: missense variant.
Genome position (GRCh38, 1-based): chr11:70,206,153, G>A. VCF-style: chr11-70206153-G-A. GRCh37 (hg19) VCF-style: chr11-70052259-G-A.
Other names: p.Val103Ile; short protein forms V103I.
Identifiers: ClinVar variation 659707 (VCV000659707.10), dbSNP rs200845739, ClinGen allele CA223537466.

ClinVar aggregate classification (germline): Uncertain significance. Review status: criteria provided, multiple submitters, no conflicts (2 of 4 stars). 2 submissions from 2 submitters: Uncertain significance (2). Last evaluated 2025-01-14.

Conditions:
FADD-related immunodeficiency. Also called: FADD DEFICIENCY; Infections, recurrent, with encephalopathy, hepatic dysfunction, and cardiovascular malformations. Identifiers: Orphanet 306550, MedGen C3151062, MONDO:0013408, OMIM 613759.

Allele frequency attached by ClinVar (database versions not stated): TOPMed 0.00006; ESP Exome Variant Server 0.00008; gnomAD 0.00004.
gnomAD v4.1: 123 of 1,613,946 alleles (0.0076%); highest among the groups gnomAD compares: Non-Finnish European, 0.0092%; no homozygotes.

Submissions (2):

Labcorp Genetics (formerly Invitae), Labcorp
Classification: Uncertain significance for FADD-related immunodeficiency. Last evaluated: 2025-01-14. Review status: criteria provided, single submitter. Criteria: Invitae Variant Classification Sherloc (09022015). Collection method: clinical testing. Allele origin: germline.
Comment: This sequence change replaces valine, which is neutral and non-polar, with isoleucine, which is neutral and non-polar, at codon 103 of the FADD protein (p.Val103Ile). This variant is present in population databases (rs200845739, gnomAD 0.003%). This variant has not been reported in the literature in individuals affected with FADD-related conditions. ClinVar contains an entry for this variant (Variation ID: 659707). An algorithm developed to predict the effect of missense changes on protein structure and function outputs the following: PolyPhen-2: "Benign". The isoleucine amino acid residue is found in multiple mammalian species, which suggests that this missense change does not adversely affect protein function. In summary, the available evidence is currently insufficient to determine the role of this variant in disease. Therefore, it has been classified as a Variant of Uncertain Significance.

Mayo Clinic Laboratories, Mayo Clinic
Classification: Uncertain significance. Last evaluated: 2024-05-30. Review status: criteria provided, single submitter. Criteria: ACMG Guidelines, 2015. Collection method: clinical testing. Allele origin: germline. Observed: 1 variant allele.
Comment: BP4, PM2